The following is an entry in ClinVar:

ClinVar aggregate classification (germline): Likely benign. Review status: criteria provided, single submitter (1 of 4 stars). 2 submissions from 2 submitters: Likely benign (1). 1 of the submissions does not count toward it. Last evaluated 2024-04-03.

Conditions:
Infantile neuroaxonal dystrophy (NBIA2A). Also called: NEURODEGENERATION WITH BRAIN IRON ACCUMULATION 2A; SEITELBERGER DISEASE; Infantile neuroaxonal dystrophy 1. Identifiers: Orphanet 35069, MedGen C0270724, MONDO:0024457, OMIM 256600.
PLA2G6-related disorder. Also called: PLA2G6-related condition.

Allele frequency attached by ClinVar (database versions not stated): gnomAD 0.00004 and 0.00003; gnomAD exomes 0.00005 and 0.00004; TOPMed below 0.00001; ExAC 0.00005.
gnomAD v4.1: 68 of 1,612,112 alleles (0.0042%); highest among the groups gnomAD compares: South Asian, 0.0077%; no homozygotes.

Submissions (2):

Labcorp Genetics (formerly Invitae), Labcorp
Classification: Likely benign for Infantile neuroaxonal dystrophy. Last evaluated: 2024-04-03. Review status: criteria provided, single submitter. Criteria: Invitae Variant Classification Sherloc (09022015). Collection method: clinical testing. Allele origin: germline.

PreventionGenetics, part of Exact Sciences
Classification: Likely benign for PLA2G6-related condition. Last evaluated: 2022-08-03. Review status: no assertion criteria provided. Collection method: clinical testing. Allele origin: germline. Not counted in ClinVar's aggregate classification.
Comment: This variant is classified as likely benign based on ACMG/AMP sequence variant interpretation guidelines (Richards et al. 2015 PMID: 25741868, with internal and published modifications).

NM_003560.4(PLA2G6):c.438C>T (p.Cys146=)

Gene: PLA2G6 (phospholipase A2 group VI; minus strand). Cytogenetic location: 22q13.1.
Variant type: single nucleotide variant.
Coding change: c.438C>T on transcript NM_003560.4 (MANE Select); coding-DNA position 438, C replaced by T.
Protein change: p.Cys146=; no amino-acid change (cysteine 146 retained).
Molecular consequence: synonymous variant. On other transcripts: 5 prime UTR variant (3).
Genome position (GRCh38, 1-based): chr22:38,143,276, G>A on the plus strand (C>T on the coding strand, the complement: PLA2G6 is on the minus strand). VCF-style: chr22-38143276-G-A. GRCh37 (hg19) VCF-style: chr22-38539283-G-A.
Other names: c.438C>T (NM_003560.2); c.438C>T, p.Cys146= (NM_001004426.3, NM_001199562.3, NM_001349864.2 and 2 more transcripts); c.-97C>T (NM_001349867.2, NM_001349869.2); c.-53C>T (NM_001349868.2).
Identifiers: ClinVar variation 1087414 (VCV001087414.11), dbSNP rs749236337, ClinGen allele CA10231252.